The following is an entry in ClinVar:

ClinVar aggregate classification (germline): Uncertain significance (1 of 4 stars; one submission).

Conditions:
Cardiovascular phenotype. Identifiers: MedGen CN230736.

Submission:

Ambry Genetics
Classification: Uncertain significance for Cardiovascular phenotype. Last evaluated: 2022-11-29. Review status: criteria provided, single submitter. Criteria: Ambry Variant Classification Scheme 2023. Collection method: clinical testing. Allele origin: germline.
Comment: The c.79172_79174dupATG variant (also known as p.D26391dup), located in coding exon 185 of the TTN gene, results from an in-frame duplication of ATG at nucleotide positions 79172 to 79174. This results in the duplication of an extra residue between codons 26391 and 26392. This amino acid position is well conserved in available vertebrate species. In addition, this alteration is predicted to be deleterious by in silico analysis (Choi Y et al. PLoS ONE. 2012; 7(10):e46688). Since supporting evidence is limited at this time, the clinical significance of this alteration remains unclear.

NM_001267550.2(TTN):c.106367_106369dup (p.Asp35456_Gly35457insAsp)

Genes: TTN (titin; minus strand), TTN-AS1 (TTN antisense RNA 1; plus strand). Cytogenetic location: 2q31.2.
Variant type: Duplication.
Coding change: c.106367_106369dup on transcript NM_001267550.2 (MANE Select); coding-DNA positions 106367 to 106369, 3 bases duplicated (ATG; older notation c.106367_106369dupATG).
Protein change: p.Asp35456_Gly35457insAsp.
Molecular consequence: inframe insertion.
Genome position (GRCh38, 1-based): chr2:178,530,246-178,530,248, CAT duplicated on the plus strand (ATG on the coding strand, the reverse complement: TTN is on the minus strand); duplicating any 3 consecutive bases within chr2:178,530,246-178,530,249 gives the same sequence; the c. name uses the placement nearest the transcript's 3' end. VCF-style (leftmost placement, unchanged base first): chr2-178530245-C-CCAT. GRCh37 (hg19) VCF-style: chr2-179394972-C-CCAT.
Other names: c.101444_101446dup, p.Asp33815_Gly33816insAsp (NM_001256850.1); c.79172_79174dup, p.Asp26391_Gly26392insAsp (NM_003319.4); c.98663_98665dup, p.Asp32888_Gly32889insAsp (NM_133378.4); c.79547_79549dup, p.Asp26516_Gly26517insAsp (NM_133432.3); c.79748_79750dup, p.Asp26583_Gly26584insAsp (NM_133437.4); c.79172_79174dupATG (NM_003319.4).
Identifiers: ClinVar variation 2451861 (VCV002451861.2), dbSNP rs771149351, ClinGen allele CA1985123.